The following is an entry in ClinVar:

NM_024334.3(TMEM43):c.488G>A (p.Arg163Gln)

Gene: TMEM43 (transmembrane protein 43; plus strand). Cytogenetic location: 3p25.1.
Variant type: single nucleotide variant.
Coding change: c.488G>A on transcript NM_024334.3 (MANE Select); coding-DNA position 488, G replaced by A.
Protein change: p.Arg163Gln; replaces arginine 163 with glutamine.
Molecular consequence: missense variant.
Genome position (GRCh38, 1-based): chr3:14,132,911, G>A. VCF-style: chr3-14132911-G-A. GRCh37 (hg19) VCF-style: chr3-14174411-G-A.
Other names: short protein forms R163Q.
Identifiers: ClinVar variation 534756 (VCV000534756.10), dbSNP rs759676847, ClinGen allele CA053956.
Genomic context (GRCh38, chr3:14,132,911, plus strand): 5'-CCTCTCCCTGAGCAGACACTGAATGGAGGTCAGAAATCATCAACAGCAAAAACTTCGACC[G>A]AGAGATTGGCCACAAAAACCCCAGGTGAGAGCCAGGCCCAAGGCCTGAGTGCAGCTTTGT-3'
Protein context (NP_077310.1, residues 153-173): SEIINSKNFD[Arg163Gln]EIGHKNPSAM

ClinVar aggregate classification (germline): Conflicting classifications of pathogenicity. Review status: criteria provided, conflicting classifications (1 of 4 stars). 4 submissions from 4 submitters: Uncertain significance (1); Benign (1); Likely benign (2). Last evaluated 2024-10-12.

Conditions:
Cardiovascular phenotype. Identifiers: MedGen CN230736.
Arrhythmogenic right ventricular dysplasia 5. Also called: Arrhythmogenic Right Ventricular Dysplasia/Cardiomyopathy 5; ARRHYTHMOGENIC RIGHT VENTRICULAR DYSPLASIA, FAMILIAL, 5. Identifiers: MedGen C1858379, MONDO:0011459, OMIM 604400.
Cardiomyopathy (CMYO). Also called: Cardiomyopathies. Identifiers: Orphanet 167848, MedGen C0878544, MONDO:0004994, HP:0001638. Inheritance: Various modes of inheritance.

Allele frequency attached by ClinVar (database versions not stated): gnomAD below 0.00001 and 0.00002; gnomAD exomes 0.00004 and 0.00009; ExAC 0.00011.

Submissions (4):

Labcorp Genetics (formerly Invitae), Labcorp
Classification: Uncertain significance for Arrhythmogenic right ventricular dysplasia 5. Last evaluated: 2024-10-12. Review status: criteria provided, single submitter. Criteria: Invitae Variant Classification Sherloc (09022015). Collection method: clinical testing. Allele origin: germline.
Comment: This sequence change replaces arginine, which is basic and polar, with glutamine, which is neutral and polar, at codon 163 of the TMEM43 protein (p.Arg163Gln). This variant is present in population databases (rs759676847, gnomAD 0.06%), and has an allele count higher than expected for a pathogenic variant. This variant has not been reported in the literature in individuals affected with TMEM43-related conditions. ClinVar contains an entry for this variant (Variation ID: 534756). Invitae Evidence Modeling of protein sequence and biophysical properties (such as structural, functional, and spatial information, amino acid conservation, physicochemical variation, residue mobility, and thermodynamic stability) indicates that this missense variant is not expected to disrupt TMEM43 protein function with a negative predictive value of 80%. In summary, the available evidence is currently insufficient to determine the role of this variant in disease. Therefore, it has been classified as a Variant of Uncertain Significance.

All of Us Research Program, National Institutes of Health
Classification: Likely benign for Arrhythmogenic right ventricular dysplasia 5. Last evaluated: 2023-12-18. Review status: criteria provided, single submitter. Criteria: ACMG Guidelines, 2015. Collection method: clinical testing. Allele origin: germline. Inheritance: Autosomal dominant inheritance. Observed: 6 variant alleles, 6 heterozygotes.
Comment: This study involves interpretation of variants in research participants for the purpose of population health screening. Participant phenotype was not available at the time of variant classification. Additional details can be found in publication PMID: 35346344, PMCID: PMC8962531

Ambry Genetics
Classification: Benign for Cardiovascular phenotype. Last evaluated: 2023-03-31. Review status: criteria provided, single submitter. Criteria: Ambry Variant Classification Scheme 2023. Collection method: clinical testing. Allele origin: germline.

Color Diagnostics, LLC DBA Color Health
Classification: Likely benign for Cardiomyopathy. Last evaluated: 2019-10-02. Review status: criteria provided, single submitter. Criteria: ACMG Guidelines, 2015. Collection method: clinical testing. Allele origin: germline.